The following is an entry in ClinVar:

ClinVar aggregate classification (germline): Likely benign (1 of 4 stars; one submission).

gnomAD v4.1: 2 of 1,612,992 alleles (0.00012%); highest among the groups gnomAD compares: Non-Finnish European, 0.00017%; no homozygotes.

Submission:

Women's Health and Genetics/Laboratory Corporation of America, LabCorp
Classification: Likely benign. Last evaluated: 2024-12-16. Review status: criteria provided, single submitter. Criteria: LabCorp Variant Classification Summary - May 2015. Collection method: clinical testing. Allele origin: germline.
Comment: Variant summary: MYH9 c.5040C>G alters a conserved nucleotide resulting in a synonymous change. Consensus agreement among computation tools predict no significant impact on normal splicing. However, these predictions have yet to be confirmed by functional studies. The variant was absent in 250578 control chromosomes. The available data on variant occurrences in the general population are insufficient to allow any conclusion about variant significance. To our knowledge, no occurrence of c.5040C>G in individuals affected with Macrothrombocytopenia And Granulocyte Inclusions With Or Without Nephritis Or Sensorineural Hearing Loss and no experimental evidence demonstrating its impact on protein function have been reported. No submitters have cited clinical-significance assessments for this variant to ClinVar. Based on the evidence outlined above, the variant was classified as likely benign.

NM_002473.6(MYH9):c.5040C>G (p.Ala1680=)

Gene: MYH9 (myosin heavy chain 9; minus strand). Cytogenetic location: 22q12.3.
Variant type: single nucleotide variant.
Coding change: c.5040C>G on transcript NM_002473.6 (MANE Select); coding-DNA position 5040, C replaced by G.
Protein change: p.Ala1680=; no amino-acid change (alanine 1680 retained).
Molecular consequence: synonymous variant.
Genome position (GRCh38, 1-based): chr22:36,286,739, G>C on the plus strand (C>G on the coding strand, the complement: MYH9 is on the minus strand). VCF-style: chr22-36286739-G-C. GRCh37 (hg19) VCF-style: chr22-36682785-G-C.
Identifiers: ClinVar variation 3768024 (VCV003768024.1).